The following is an entry in ClinVar:

ClinVar aggregate classification (germline): Uncertain significance (0 of 4 stars; one submission).

Conditions:
TMEM38B-related disorder. Also called: TMEM38B-related condition.

Submission:

PreventionGenetics, part of Exact Sciences
Classification: Uncertain significance for TMEM38B-related condition. Last evaluated: 2024-08-07. Review status: no assertion criteria provided. Collection method: clinical testing. Allele origin: germline.
Comment: The TMEM38B c.725_726delinsCT variant is predicted to result in an in-frame deletion and insertion. To our knowledge, this variant has not been reported in the literature or in a large population database, indicating this variant is rare. At this time, the clinical significance of this variant is uncertain due to the absence of conclusive functional and genetic evidence.

NM_018112.3(TMEM38B):c.725_726delinsCT (p.Trp242Ser)

Gene: TMEM38B (transmembrane protein 38B; plus strand). Cytogenetic location: 9q31.2.
Variant type: Indel.
Coding change: c.725_726delinsCT on transcript NM_018112.3 (MANE Select); coding-DNA positions 725 to 726, GG replaced by CT.
Protein change: p.Trp242Ser; replaces tryptophan 242 with serine.
Molecular consequence: missense variant.
Genome position (GRCh38, 1-based): chr9:105,773,929-105,773,930, GG replaced by CT. VCF-style: chr9-105773929-GG-CT. GRCh37 (hg19) VCF-style: chr9-108536210-GG-CT.
Other names: short protein forms W242S.
Identifiers: ClinVar variation 3346147 (VCV003346147.1).